The following is an entry in ClinVar:

NM_001005242.3(PKP2):c.895_902del (p.Arg299fs)

Gene: PKP2 (plakophilin 2; minus strand). Cytogenetic location: 12p11.21.
Variant type: Deletion.
Coding change: c.895_902del on transcript NM_001005242.3 (MANE Select); coding-DNA positions 895 to 902, 8 bases deleted (CGCACGCT; older notation c.895_902delCGCACGCT).
Protein change: p.Arg299fs; shifts the reading frame from arginine 299.
Molecular consequence: frameshift variant.
Genome position (GRCh38, 1-based): chr12:32,877,978-32,877,985, AGCGTGCG deleted on the plus strand (CGCACGCT on the coding strand, the reverse complement: PKP2 is on the minus strand). VCF-style (leftmost placement, unchanged base first): chr12-32877977-CAGCGTGCG-C. GRCh37 (hg19) VCF-style: chr12-33030911-CAGCGTGCG-C.
Other names: c.895_902del, p.Arg299fs (NM_001407155.1, NM_001407156.1, NM_001407157.1 and 2 more transcripts); c.568_575del, p.Arg190fs (NM_001407158.1, NM_001407159.1, NM_001407160.1 and 1 more transcripts); short protein forms R190fs, R299fs.
Identifiers: ClinVar variation 4726925 (VCV004726925.1).

ClinVar aggregate classification (germline): Pathogenic (1 of 4 stars; one submission).

Conditions:
Arrhythmogenic right ventricular dysplasia 9 (ARVD9). Also called: Arrhythmogenic Right Ventricular Dysplasia/Cardiomyopathy 9; ARRHYTHMOGENIC RIGHT VENTRICULAR DYSPLASIA, FAMILIAL, 9. Identifiers: MedGen C1836906, MONDO:0012180, OMIM 609040.

Submission:

Labcorp Genetics (formerly Invitae), Labcorp
Classification: Pathogenic for Arrhythmogenic right ventricular dysplasia 9. Last evaluated: 2025-12-20. Review status: criteria provided, single submitter. Criteria: Invitae Variant Classification Sherloc (09022015). Collection method: clinical testing. Allele origin: germline.
Comment: This sequence change creates a premature translational stop signal (p.Arg299Glufs*34) in the PKP2 gene. It is expected to result in an absent or disrupted protein product. Loss-of-function variants in PKP2 are known to be pathogenic (PMID: 15489853, 17041889, 23911551). This variant is not present in population databases (gnomAD no frequency). This variant has not been reported in the literature in individuals affected with PKP2-related conditions. For these reasons, this variant has been classified as Pathogenic.

Literature cited by the submitters: PubMed 15489853; PubMed 17041889; PubMed 23911551.